The following is an entry in ClinVar:

NM_138773.4(SLC25A46):c.1247A>C (p.Asn416Thr)

Gene: SLC25A46 (solute carrier family 25 member 46; plus strand). Cytogenetic location: 5q22.1.
Variant type: single nucleotide variant.
Coding change: c.1247A>C on transcript NM_138773.4 (MANE Select); coding-DNA position 1247, A replaced by C.
Protein change: p.Asn416Thr; replaces asparagine 416 with threonine.
Molecular consequence: missense variant. On other transcripts: non-coding transcript variant (1).
Genome position (GRCh38, 1-based): chr5:110,761,772, A>C. VCF-style: chr5-110761772-A-C. GRCh37 (hg19) VCF-style: chr5-110097472-A-C.
Other names: c.1004A>C, p.Asn335Thr (NM_001303249.3); c.974A>C, p.Asn325Thr (NM_001303250.3); short protein forms N416T, N325T, N335T.
Identifiers: ClinVar variation 1468753 (VCV001468753.8), dbSNP rs2150419511, ClinGen allele CA360697958.

ClinVar aggregate classification (germline): Uncertain significance (1 of 4 stars; one submission).

Conditions:
Neuropathy, hereditary motor and sensory, type 6B (HMSN6B). Also called: HMSN VIB; CHARCOT-MARIE-TOOTH DISEASE, TYPE 6B; NEUROPATHY, HEREDITARY MOTOR AND SENSORY, TYPE VIB, WITH OPTIC ATROPHY; Neuropathy, hereditary motor and sensory, type VIB. Identifiers: MedGen C4225302, MONDO:0014671, OMIM 616505.

Submission:

Labcorp Genetics (formerly Invitae), Labcorp
Classification: Uncertain significance for Neuropathy, hereditary motor and sensory, type 6B. Last evaluated: 2021-07-27. Review status: criteria provided, single submitter. Criteria: Invitae Variant Classification Sherloc (09022015). Collection method: clinical testing. Allele origin: germline.
Comment: In summary, the available evidence is currently insufficient to determine the role of this variant in disease. Therefore, it has been classified as a Variant of Uncertain Significance. Algorithms developed to predict the effect of missense changes on protein structure and function (SIFT, PolyPhen-2, Align-GVGD) all suggest that this variant is likely to be tolerated. This variant has not been reported in the literature in individuals affected with SLC25A46-related conditions. This variant is not present in population databases (ExAC no frequency). This sequence change replaces asparagine with threonine at codon 416 of the SLC25A46 protein (p.Asn416Thr). The asparagine residue is moderately conserved and there is a small physicochemical difference between asparagine and threonine.